The following is an entry in ClinVar:

NM_004539.4(NARS1):c.825A>T (p.Gln275His)

Gene: NARS1 (asparaginyl-tRNA synthetase 1; minus strand). Cytogenetic location: 18q21.31.
Variant type: single nucleotide variant.
Coding change: c.825A>T on transcript NM_004539.4 (MANE Select); coding-DNA position 825, A replaced by T.
Protein change: p.Gln275His; replaces glutamine 275 with histidine.
Molecular consequence: missense variant.
Genome position (GRCh38, 1-based): chr18:57,607,310, T>A on the plus strand (A>T on the coding strand, the complement: NARS1 is on the minus strand). VCF-style: chr18-57607310-T-A. GRCh37 (hg19) VCF-style: chr18-55274542-T-A.
Other names: short protein forms Q275H.
Identifiers: ClinVar variation 4537167 (VCV004537167.1).

ClinVar aggregate classification (germline): Uncertain significance (1 of 4 stars; one submission).

gnomAD v4.1: 6 of 1,614,180 alleles (0.00037%); highest among the groups gnomAD compares: South Asian, 0.0011%; no homozygotes.

Submission:

Women's Health and Genetics/Laboratory Corporation of America, LabCorp
Classification: Uncertain significance. Last evaluated: 2025-11-26. Review status: criteria provided, single submitter. Criteria: LabCorp Variant Classification Summary - May 2015. Collection method: clinical testing. Allele origin: germline.
Comment: Variant summary: NARS1 c.825A>T (p.Gln275His) results in a non-conservative amino acid change in the encoded protein sequence. Algorithms developed to predict the effect of missense changes on protein structure and function all suggest that this variant is likely to be disruptive. The variant was absent in 1461872 control chromosomes. The available data on variant occurrences in the general population are insufficient to allow any conclusion about variant significance. To our knowledge, no occurrence of c.825A>T in individuals affected with NARS1-related conditions and no experimental evidence demonstrating its impact on protein function have been reported. No submitters have cited clinical-significance assessments for this variant to ClinVar. Based on the evidence outlined above, the variant was classified as uncertain significance.